The following is an entry in ClinVar:

ClinVar aggregate classification (germline): Uncertain significance (1 of 4 stars; one submission).

Allele frequency attached by ClinVar (database versions not stated): gnomAD exomes 0.00001; ExAC 0.00005.

Submission:

Labcorp Genetics (formerly Invitae), Labcorp
Classification: Uncertain significance. Last evaluated: 2024-08-21. Review status: criteria provided, single submitter. Criteria: Invitae Variant Classification Sherloc (09022015). Collection method: clinical testing. Allele origin: germline.
Comment: This sequence change falls in intron 40 of the COL2A1 gene. It does not directly change the encoded amino acid sequence of the COL2A1 protein. It affects a nucleotide within the consensus splice site. The frequency data for this variant in the population databases is considered unreliable, as metrics indicate poor data quality at this position in the gnomAD database. This variant has not been reported in the literature in individuals affected with COL2A1-related conditions. ClinVar contains an entry for this variant (Variation ID: 842826). Variants that disrupt the consensus splice site are a relatively common cause of aberrant splicing (PMID: 17576681, 9536098). Algorithms developed to predict the effect of sequence changes on RNA splicing suggest that this variant is not likely to affect RNA splicing. In summary, the available evidence is currently insufficient to determine the role of this variant in disease. Therefore, it has been classified as a Variant of Uncertain Significance.

Literature cited by the submitters: PubMed 17576681; PubMed 9536098.

NM_001844.5(COL2A1):c.2679+6T>C

Gene: COL2A1 (collagen type II alpha 1 chain; minus strand). Cytogenetic location: 12q13.11.
Variant type: single nucleotide variant.
Coding change: c.2679+6T>C on transcript NM_001844.5 (MANE Select); 6 bases into the intron after coding-DNA position 2679, T replaced by C.
Molecular consequence: intron variant.
Genome position (GRCh38, 1-based): chr12:47,980,003, A>G on the plus strand (T>C on the coding strand, the complement: COL2A1 is on the minus strand). VCF-style: chr12-47980003-A-G. GRCh37 (hg19) VCF-style: chr12-48373786-A-G.
Other names: c.2472+6T>C (NM_033150.3).
Identifiers: ClinVar variation 842826 (VCV000842826.9), dbSNP rs771289955, ClinGen allele CA6535030.